The following is an entry in ClinVar:

NM_001348484.3(RIMS2):c.3768T>C (p.Asp1256=)

Gene: RIMS2 (regulating synaptic membrane exocytosis 2; plus strand). Cytogenetic location: 8q22.3.
Variant type: single nucleotide variant.
Coding change: c.3768T>C on transcript NM_001348484.3 (MANE Select); coding-DNA position 3768, T replaced by C.
Protein change: p.Asp1256=; no amino-acid change (aspartic acid 1256 retained).
Molecular consequence: synonymous variant. On other transcripts: intron variant (22).
Genome position (GRCh38, 1-based): chr8:104,093,545, T>C. VCF-style: chr8-104093545-T-C. GRCh37 (hg19) VCF-style: chr8-105105773-T-C.
Other names: c.3594T>C, p.Asp1198= (NM_001348489.2); c.3507T>C, p.Asp1169= (NM_001348490.2); c.2919T>C, p.Asp973= (NM_001348498.2, NM_001348503.2); c.2772T>C, p.Asp924= (NM_001348501.2); c.3015T>C, p.Asp1005= (NM_001348509.2); c.3621T>C, p.Asp1207= (NM_001395652.1); c.3480T>C, p.Asp1160= (NM_001395653.1); c.3627T>C, p.Asp1209= (NM_001395654.1); and 22 more.
Identifiers: ClinVar variation 3250749 (VCV003250749.18), dbSNP rs2551081839.

ClinVar aggregate classification (germline): Uncertain significance (1 of 4 stars; one submission).

Submission:

CeGaT Center for Human Genetics Tuebingen
Classification: Uncertain significance. Last evaluated: 2024-06-01. Review status: criteria provided, single submitter. Criteria: CeGaT Center For Human Genetics Tuebingen Variant Classification Criteria Version 2. Collection method: clinical testing. Allele origin: germline. Affected: yes. Observed: 1 variant allele.
Comment: RIMS2: PM2:Supporting, BP4